The following is an entry in ClinVar:

NM_206933.4(USH2A):c.10087C>T (p.Leu3363Phe)

Gene: USH2A (usherin; minus strand). Cytogenetic location: 1q41.
Variant type: single nucleotide variant.
Coding change: c.10087C>T on transcript NM_206933.4 (MANE Select); coding-DNA position 10087, C replaced by T.
Protein change: p.Leu3363Phe; replaces leucine 3363 with phenylalanine.
Molecular consequence: missense variant.
Genome position (GRCh38, 1-based): chr1:215,790,154, G>A on the plus strand (C>T on the coding strand, the complement: USH2A is on the minus strand). VCF-style: chr1-215790154-G-A. GRCh37 (hg19) VCF-style: chr1-215963496-G-A.
Other names: c.10087C>T (NM_206933.2); short protein forms L3363F.
Identifiers: ClinVar variation 2182951 (VCV002182951.2), dbSNP rs201136627, ClinGen allele CA1394140.

ClinVar aggregate classification (germline): Uncertain significance. Review status: criteria provided, single submitter (1 of 4 stars). 2 submissions from 2 submitters: Uncertain significance (1). 1 of the submissions does not count toward it. Last evaluated 2021-08-26.

Conditions:
Usher syndrome type 2A. Also called: RETINAL DISEASE IN USHER SYNDROME TYPE IIA, MODIFIER OF; USHER SYNDROME, TYPE IIA. Identifiers: Orphanet 231178, Orphanet 886, MedGen C1848634, MONDO:0010169, OMIM 276901.

Allele frequency attached by ClinVar (database versions not stated): gnomAD 0.00001; gnomAD exomes 0.00001; TOPMed 0.00001; ExAC 0.00004; 1000 Genomes Project 30x 0.00016; 1000 Genomes Project 0.00020.
gnomAD v4.1: 24 of 1,613,842 alleles (0.0015%); highest among the groups gnomAD compares: Non-Finnish European, 0.00025%; no homozygotes.

Submissions (2):

Labcorp Genetics (formerly Invitae), Labcorp
Classification: Uncertain significance. Last evaluated: 2021-08-26. Review status: criteria provided, single submitter. Criteria: Invitae Variant Classification Sherloc (09022015). Collection method: clinical testing. Allele origin: germline.
Comment: This sequence change replaces leucine with phenylalanine at codon 3363 of the USH2A protein (p.Leu3363Phe). The leucine residue is highly conserved and there is a small physicochemical difference between leucine and phenylalanine. This variant is present in population databases (rs201136627, ExAC 0.05%). This variant has not been reported in the literature in individuals affected with USH2A-related conditions. Algorithms developed to predict the effect of missense changes on protein structure and function are either unavailable or do not agree on the potential impact of this missense change (SIFT: "Deleterious"; PolyPhen-2: "Probably Damaging"; Align-GVGD: "Class C15"). In summary, the available evidence is currently insufficient to determine the role of this variant in disease. Therefore, it has been classified as a Variant of Uncertain Significance.

Natera, Inc.
Classification: Uncertain significance for Usher syndrome type 2A. Last evaluated: 2025-01-24. Review status: no assertion criteria provided. Collection method: clinical testing. Allele origin: germline. Not counted in ClinVar's aggregate classification.